The following is an entry in ClinVar:

NM_014679.5(CEP57):c.226C>A (p.Leu76Ile)

Gene: CEP57 (centrosomal protein 57; plus strand). Cytogenetic location: 11q21.
Variant type: single nucleotide variant.
Coding change: c.226C>A on transcript NM_014679.5 (MANE Select); coding-DNA position 226, C replaced by A.
Protein change: p.Leu76Ile; replaces leucine 76 with isoleucine.
Molecular consequence: missense variant.
Genome position (GRCh38, 1-based): chr11:95,812,955, C>A. VCF-style: chr11-95812955-C-A. GRCh37 (hg19) VCF-style: chr11-95546119-C-A.
Other names: c.199C>A, p.Leu67Ile (NM_001243776.2); c.226C>A, p.Leu76Ile (NM_001243777.2); c.145C>A, p.Leu49Ile (NM_001363604.2); short protein forms L76I, L49I, L67I.
Identifiers: ClinVar variation 3832012 (VCV003832012.1).

ClinVar aggregate classification (germline): Uncertain significance (1 of 4 stars; one submission).

Conditions:
Inborn genetic diseases. Identifiers: MedGen C0950123, MeSH D030342.

gnomAD v4.1: 1 of 1,613,978 alleles (0.000062%); highest among the groups gnomAD compares: East Asian, 0.0022%; no homozygotes.

Submission:

Ambry Genetics
Classification: Uncertain significance for Inborn genetic diseases. Last evaluated: 2025-03-03. Review status: criteria provided, single submitter. Criteria: Ambry Variant Classification Scheme 2023. Collection method: clinical testing. Allele origin: germline.
Comment: The p.L76I variant (also known as c.226C>A), located in coding exon 3 of the CEP57 gene, results from a C to A substitution at nucleotide position 226. The leucine at codon 76 is replaced by isoleucine, an amino acid with highly similar properties. This amino acid position is conserved. In addition, the in silico prediction for this alteration is inconclusive. Based on the available evidence, the clinical significance of this variant remains unclear.